The following is an entry in ClinVar:

NM_198060.4(NRAP):c.1110+4C>T

Gene: NRAP (nebulin related anchoring protein; minus strand). Cytogenetic location: 10q25.3.
Variant type: single nucleotide variant.
Coding change: c.1110+4C>T on transcript NM_198060.4 (MANE Select); 4 bases into the intron after coding-DNA position 1110, C replaced by T.
Molecular consequence: intron variant.
Genome position (GRCh38, 1-based): chr10:113,645,821, G>A on the plus strand (C>T on the coding strand, the complement: NRAP is on the minus strand). VCF-style: chr10-113645821-G-A. GRCh37 (hg19) VCF-style: chr10-115405580-G-A.
Other names: c.1110+4C>T (NM_006175.5, NM_001322945.2, NM_001261463.2).
Identifiers: ClinVar variation 3040482 (VCV003040482.3), dbSNP rs185475320, ClinGen allele CA5695674.

ClinVar aggregate classification (germline): Uncertain significance. Review status: criteria provided, single submitter (1 of 4 stars). 2 submissions from 2 submitters: Uncertain significance (1). 1 of the submissions does not count toward it. Last evaluated 2024-10-23.

Conditions:
NRAP-related disorder. Also called: NRAP-related condition.

Allele frequency attached by ClinVar (database versions not stated): ExAC 0.00007; TOPMed 0.00007; gnomAD 0.00008; 1000 Genomes Project 0.00040; 1000 Genomes Project 30x 0.00047.

Submissions (2):

Blueprint Genetics
Classification: Uncertain significance. Last evaluated: 2024-10-23. Review status: criteria provided, single submitter. Criteria: ACMG Guidelines, 2015. Collection method: clinical testing. Allele origin: germline.

PreventionGenetics, part of Exact Sciences
Classification: Likely benign for NRAP-related condition. Last evaluated: 2020-01-08. Review status: no assertion criteria provided. Collection method: clinical testing. Allele origin: germline. Not counted in ClinVar's aggregate classification.
Comment: This variant is classified as likely benign based on ACMG/AMP sequence variant interpretation guidelines (Richards et al. 2015 PMID: 25741868, with internal and published modifications).